The following is an entry in ClinVar:

NM_014727.3(KMT2B):c.3113C>T (p.Ala1038Val)

Gene: KMT2B (lysine methyltransferase 2B; plus strand). Cytogenetic location: 19q13.12.
Variant type: single nucleotide variant.
Coding change: c.3113C>T on transcript NM_014727.3 (MANE Select); coding-DNA position 3113, C replaced by T.
Protein change: p.Ala1038Val; replaces alanine 1038 with valine.
Molecular consequence: missense variant.
Genome position (GRCh38, 1-based): chr19:35,723,786, C>T. VCF-style: chr19-35723786-C-T. GRCh37 (hg19) VCF-style: chr19-36214687-C-T.
Other names: short protein forms A1038V.
Identifiers: ClinVar variation 3774978 (VCV003774978.2).

ClinVar aggregate classification (germline): Uncertain significance (1 of 4 stars; one submission).

Submission:

GeneDx
Classification: Uncertain significance. Last evaluated: 2026-02-17. Review status: criteria provided, single submitter. Criteria: GeneDx Variant Classification Process June 2021. Collection method: clinical testing. Allele origin: germline.
Comment: Not observed at significant frequency in large population cohorts (gnomAD); In silico analysis suggests that this missense variant does not alter protein structure/function; Has not been previously published as pathogenic or benign to our knowledge